The following is an entry in ClinVar:

ClinVar aggregate classification (germline): Likely pathogenic (1 of 4 stars; one submission).

Conditions:
Osteogenesis imperfecta (OI). Identifiers: Orphanet 666, MedGen C0029434, MeSH D010013, MONDO:0019019.

Allele frequency attached by ClinVar (database versions not stated): gnomAD exomes below 0.00001.
gnomAD v4.1: 1 of 1,593,010 alleles (0.000063%); highest among the groups gnomAD compares: Non-Finnish European, 0.000086%; no homozygotes.

Submission:

Women's Health and Genetics/Laboratory Corporation of America, LabCorp
Classification: Likely pathogenic for Osteogenesis Imperfecta. Last evaluated: 2011-08-18. Review status: criteria provided, single submitter. Criteria: LabCorp Variant Classification Summary - May 2015. Collection method: curation, clinical testing. Allele origin: germline. Inheritance: autosomal unknown. Affected: yes.
ClinVar note: Converted during submission from likely pathogenic to Likely pathogenic.

NM_000089.4(COL1A2):c.1873G>A (p.Gly625Ser)

Gene: COL1A2 (collagen type I alpha 2 chain; plus strand). Cytogenetic location: 7q21.3.
Variant type: single nucleotide variant.
Coding change: c.1873G>A on transcript NM_000089.4 (MANE Select); coding-DNA position 1873, G replaced by A.
Protein change: p.Gly625Ser; replaces glycine 625 with serine.
Molecular consequence: missense variant.
Genome position (GRCh38, 1-based): chr7:94,417,733, G>A. VCF-style: chr7-94417733-G-A. GRCh37 (hg19) VCF-style: chr7-94047045-G-A.
Other names: short protein forms G625S.
Identifiers: ClinVar variation 35938 (VCV000035938.3), dbSNP rs193922162, ClinGen allele CA260345.